The following is an entry in ClinVar:

NM_001042750.2(STAG2):c.2951A>C (p.Glu984Ala)

Gene: STAG2 (STAG2 cohesin complex component; plus strand). Cytogenetic location: Xq25.
Variant type: single nucleotide variant.
Coding change: c.2951A>C on transcript NM_001042750.2 (MANE Select); coding-DNA position 2951, A replaced by C.
Protein change: p.Glu984Ala; replaces glutamic acid 984 with alanine.
Molecular consequence: missense variant.
Genome position (GRCh38, 1-based): chrX:124,083,447, A>C. VCF-style: chrX-124083447-A-C. GRCh37 (hg19) VCF-style: chrX-123217297-A-C.
Other names: c.2951A>C, p.Glu984Ala (NM_001042749.2, NM_001042751.2, NM_001282418.2 and 13 more transcripts); short protein forms E984A.
Identifiers: ClinVar variation 1441273 (VCV001441273.4), dbSNP rs2148445488, ClinGen allele CA414280455.

ClinVar aggregate classification (germline): Uncertain significance (1 of 4 stars; one submission).

Submission:

Labcorp Genetics (formerly Invitae), Labcorp
Classification: Uncertain significance. Last evaluated: 2024-01-25. Review status: criteria provided, single submitter. Criteria: Invitae Variant Classification Sherloc (09022015). Collection method: clinical testing. Allele origin: germline.
Comment: This sequence change replaces glutamic acid, which is acidic and polar, with alanine, which is neutral and non-polar, at codon 984 of the STAG2 protein (p.Glu984Ala). This variant is not present in population databases (gnomAD no frequency). This variant has not been reported in the literature in individuals affected with STAG2-related conditions. ClinVar contains an entry for this variant (Variation ID: 1441273). Advanced modeling of protein sequence and biophysical properties (such as structural, functional, and spatial information, amino acid conservation, physicochemical variation, residue mobility, and thermodynamic stability) performed at Invitae indicates that this missense variant is not expected to disrupt STAG2 protein function with a negative predictive value of 80%. In summary, the available evidence is currently insufficient to determine the role of this variant in disease. Therefore, it has been classified as a Variant of Uncertain Significance.